The following is an entry in ClinVar:

ClinVar aggregate classification (germline): Uncertain significance (1 of 4 stars; one submission).

Conditions:
Telangiectasia, hereditary hemorrhagic, type 2 (HHT2). Also called: ACVRL1-Related Hereditary Hemorrhagic Telangiectasia; Telangiectasia, hereditary hemorrhagic, type II. Identifiers: Orphanet 774, MedGen C1838163, MONDO:0010880, OMIM 600376. Disease mechanism: loss of function.

Submission:

Labcorp Genetics (formerly Invitae), Labcorp
Classification: Uncertain significance for Telangiectasia, hereditary hemorrhagic, type 2. Last evaluated: 2017-12-16. Review status: criteria provided, single submitter. Criteria: Invitae Variant Classification Sherloc (09022015). Collection method: clinical testing. Allele origin: germline.
Comment: In summary, the available evidence is currently insufficient to determine the role of this variant in disease. Therefore, it has been classified as a Variant of Uncertain Significance. Algorithms developed to predict the effect of missense changes on protein structure and function (SIFT, PolyPhen-2, Align-GVGD) all suggest that this variant is likely to be disruptive, but these predictions have not been confirmed by published functional studies and their clinical significance is uncertain. This variant has not been reported in the literature in individuals with ACVRL1-related disease. This variant is not present in population databases (ExAC no frequency). This sequence change replaces leucine with proline at codon 123 of the ACVRL1 protein (p.Leu123Pro). The leucine residue is highly conserved and there is a moderate physicochemical difference between leucine and proline.

NM_000020.3(ACVRL1):c.368T>C (p.Leu123Pro)

Gene: ACVRL1 (activin A receptor like type 1; plus strand). Cytogenetic location: 12q13.13.
Variant type: single nucleotide variant.
Coding change: c.368T>C on transcript NM_000020.3 (MANE Select); coding-DNA position 368, T replaced by C.
Protein change: p.Leu123Pro; replaces leucine 123 with proline.
Molecular consequence: missense variant.
Genome position (GRCh38, 1-based): chr12:51,913,613, T>C. VCF-style: chr12-51913613-T-C. GRCh37 (hg19) VCF-style: chr12-52307397-T-C.
Other names: c.368T>C, p.Leu123Pro (NM_001077401.2); short protein forms L123P.
Identifiers: ClinVar variation 533348 (VCV000533348.8), dbSNP rs762756031, ClinGen allele CA384898538.
Genomic context (GRCh38, chr12:51,913,613, plus strand): 5'-CCTCAGCCACCCAACCTCCTTCGGAGCAGCCGGGAACAGATGGCCAGCTGGCCCTGATCC[T>C]GGGCCCCGTGCTGGCCTTGCTGGCCCTGGTGGCCCTGGGTGTCCTGGGCCTGTGGCATGT-3'
Protein context (NP_000011.2, residues 113-133): PGTDGQLALI[Leu123Pro]GPVLALLALV